The following is an entry in ClinVar:

ClinVar aggregate classification (germline): Likely benign (1 of 4 stars; one submission).

Allele frequency attached by ClinVar (database versions not stated): 1000 Genomes Project 30x 0.00016; gnomAD 0.00066; TOPMed 0.00069.

Submission:

CeGaT Center for Human Genetics Tuebingen
Classification: Likely benign. Last evaluated: 2024-04-01. Review status: criteria provided, single submitter. Criteria: CeGaT Center For Human Genetics Tuebingen Variant Classification Criteria Version 2. Collection method: clinical testing. Allele origin: germline. Affected: yes. Observed: 3 variant alleles.
Comment: PIEZO2: BP4, BP7

NM_001378183.1(PIEZO2):c.5502A>C (p.Thr1834=)

Gene: PIEZO2 (piezo type mechanosensitive ion channel component 2; minus strand). Cytogenetic location: 18p11.22.
Variant type: single nucleotide variant.
Coding change: c.5502A>C on transcript NM_001378183.1 (MANE Select); coding-DNA position 5502, A replaced by C.
Protein change: p.Thr1834=; no amino-acid change (threonine 1834 retained).
Molecular consequence: synonymous variant. On other transcripts: intron variant (2).
Genome position (GRCh38, 1-based): chr18:10,708,361, T>G on the plus strand (A>C on the coding strand, the complement: PIEZO2 is on the minus strand). VCF-style: chr18-10708361-T-G. GRCh37 (hg19) VCF-style: chr18-10708359-T-G.
Other names: c.5250-2615A>C (NM_022068.4); c.5325-2615A>C (NM_001410871.1).
Identifiers: ClinVar variation 2498733 (VCV002498733.28), dbSNP rs543259433, ClinGen allele CA295994294.
Genomic context (GRCh38, chr18:10,708,361, plus strand): 5'-TGATGAGGAGGACATATCCATGCTGAGCATTTTACGGAGCCTAGGCCGAGCACGCTCGCT[T>G]GTTTTAGGAATTTCTTGTCCATCTAAATCATCAAGGGTGGACTGCCTTGAGAACAGCATG-3'
Protein context (NP_001365112.1, residues 1824-1844): DDLDGQEIPK[Thr1834=]SERARPRLRK